The following is an entry in ClinVar:

NM_001386795.1(DTNA):c.1592C>T (p.Thr531Met)

Gene: DTNA (dystrobrevin alpha; plus strand). Cytogenetic location: 18q12.1.
Variant type: single nucleotide variant.
Coding change: c.1592C>T on transcript NM_001386795.1 (MANE Select); coding-DNA position 1592, C replaced by T.
Protein change: p.Thr531Met; replaces threonine 531 with methionine.
Molecular consequence: missense variant.
Genome position (GRCh38, 1-based): chr18:34,858,344, C>T. VCF-style: chr18-34858344-C-T. GRCh37 (hg19) VCF-style: chr18-32438308-C-T.
Other names: c.1331C>T, p.Thr444Met (NM_001198938.2, NM_001198939.2, NM_001198940.2 and 9 more transcripts); c.638C>T, p.Thr213Met (NM_001198942.1); c.581C>T, p.Thr194Met (NM_001198943.1); c.467C>T, p.Thr156Met (NM_001198944.1); c.761C>T, p.Thr254Met (NM_001198945.2); c.1421C>T, p.Thr474Met (NM_001386754.1, NM_001386755.1, NM_001386756.1 and 4 more transcripts); c.1418C>T, p.Thr473Met (NM_001386760.1); c.1340C>T, p.Thr447Met (NM_001386761.1, NM_032979.5, NM_032975.4); and 7 more; short protein forms T126M, T152M, T156M, T194M, T213M, T254M, T443M, T444M.
Identifiers: ClinVar variation 1115090 (VCV001115090.12), dbSNP rs199828427, ClinGen allele CA8935763.

ClinVar aggregate classification (germline): Likely benign. Review status: criteria provided, multiple submitters, no conflicts (2 of 4 stars). 3 submissions from 3 submitters: Likely benign (3). Last evaluated 2025-09-10.

Conditions:
DTNA-related disorder. Also called: DTNA-related condition.
Left ventricular noncompaction 1 (LVNC1). Also called: LEFT VENTRICULAR NONCOMPACTION 1 WITH OR WITHOUT CONGENITAL HEART DEFECTS. Identifiers: Orphanet 54260, MedGen C1858725, MONDO:0011403, OMIM 604169.

Allele frequency attached by ClinVar (database versions not stated): gnomAD 0.00006 and 0.00007; gnomAD exomes 0.00009 and 0.00038; TOPMed 0.00023; ExAC 0.00029.
gnomAD v4.1: 136 of 1,614,130 alleles (0.0084%); highest among the groups gnomAD compares: Admixed American, 0.18%; 1 homozygote.

Submissions (3):

Labcorp Genetics (formerly Invitae), Labcorp
Classification: Likely benign for Left ventricular noncompaction 1. Last evaluated: 2025-09-10. Review status: criteria provided, single submitter. Criteria: Invitae Variant Classification Sherloc (09022015). Collection method: clinical testing. Allele origin: germline.

PreventionGenetics, part of Exact Sciences
Classification: Likely benign for DTNA-related condition. Last evaluated: 2024-11-21. Review status: criteria provided, single submitter. Criteria: ACMG Guidelines, 2015. Collection method: clinical testing. Allele origin: germline.
Comment: This variant is classified as likely benign based on ACMG/AMP sequence variant interpretation guidelines (Richards et al. 2015 PMID: 25741868, with internal and published modifications).

GeneDx
Classification: Likely benign. Last evaluated: 2023-04-20. Review status: criteria provided, single submitter. Criteria: GeneDx Variant Classification Process June 2021. Collection method: clinical testing. Allele origin: germline. Affected: yes.
Comment: See Variant Classification Assertion Criteria.